The following is an entry in ClinVar:

NM_001130823.3(DNMT1):c.3299A>G (p.Tyr1100Cys)

Gene: DNMT1 (DNA methyltransferase 1; minus strand). Cytogenetic location: 19p13.2.
Variant type: single nucleotide variant.
Coding change: c.3299A>G on transcript NM_001130823.3 (MANE Select); coding-DNA position 3299, A replaced by G.
Protein change: p.Tyr1100Cys; replaces tyrosine 1100 with cysteine.
Molecular consequence: missense variant.
Genome position (GRCh38, 1-based): chr19:10,142,038, T>C on the plus strand (A>G on the coding strand, the complement: DNMT1 is on the minus strand). VCF-style: chr19-10142038-T-C. GRCh37 (hg19) VCF-style: chr19-10252714-T-C.
Other names: c.3251A>G, p.Tyr1084Cys (NM_001318730.2, NM_001379.4); c.2936A>G, p.Tyr979Cys (NM_001318731.2); short protein forms Y979C, Y1084C, Y1100C.
Identifiers: ClinVar variation 2167216 (VCV002167216.4), dbSNP rs2089610202, ClinGen allele CA403974660.
Genomic context (GRCh38, chr19:10,142,038, plus strand): 5'-CTGGCCAACTTTGACCCCGAAGCCTTCCCTCTAGCAAGCAGGGGCACCACCTCGAGGAAG[T>C]AGAAGCGGTTGGGGCCGCCCATGGAGTACACCTGGACGCACTCGGGCAGGTCCTCCCCAT-3'
Protein context (NP_001124295.1, residues 1090-1110): VYSMGGPNRF[Tyr1100Cys]FLEAYNAKSK

ClinVar aggregate classification (germline): Uncertain significance (1 of 4 stars; one submission).

Conditions:
Hereditary sensory neuropathy-deafness-dementia syndrome. Also called: Hereditary Sensory and Autonomic Neuropathy Type 1E (HSAN1E); NEUROPATHY, HEREDITARY SENSORY, WITH HEARING LOSS AND DEMENTIA; HSN IE; Hereditary sensory neuropathy type IE. Identifiers: Orphanet 456318, MedGen C3279885, MONDO:0013584, OMIM 614116.

Allele frequency attached by ClinVar (database versions not stated): TOPMed below 0.00001; 1000 Genomes Project 30x 0.00016.

Submission:

Labcorp Genetics (formerly Invitae), Labcorp
Classification: Uncertain significance for Hereditary sensory neuropathy-deafness-dementia syndrome. Last evaluated: 2023-07-26. Review status: criteria provided, single submitter. Criteria: Invitae Variant Classification Sherloc (09022015). Collection method: clinical testing. Allele origin: germline.
Comment: In summary, the available evidence is currently insufficient to determine the role of this variant in disease. Therefore, it has been classified as a Variant of Uncertain Significance. ClinVar contains an entry for this variant (Variation ID: 2167216). Advanced modeling of protein sequence and biophysical properties (such as structural, functional, and spatial information, amino acid conservation, physicochemical variation, residue mobility, and thermodynamic stability) performed at Invitae indicates that this missense variant is not expected to disrupt DNMT1 protein function. This variant has not been reported in the literature in individuals affected with DNMT1-related conditions. This variant is not present in population databases (gnomAD no frequency). This sequence change replaces tyrosine, which is neutral and polar, with cysteine, which is neutral and slightly polar, at codon 1100 of the DNMT1 protein (p.Tyr1100Cys).